The following is an entry in ClinVar:

ClinVar aggregate classification (germline): Benign/Likely benign. Review status: criteria provided, multiple submitters, no conflicts (2 of 4 stars). 6 submissions from 6 submitters: Benign (5); Likely benign (1). Last evaluated 2026-02-04.

Conditions:
Microcytic anemia. Identifiers: MedGen C5194182, MONDO:0001245, HP:0001935. Disease mechanism: loss of function.

Allele frequency attached by ClinVar (database versions not stated): gnomAD exomes 0.31187 and 0.33719; 1000 Genomes Project 0.31290; 1000 Genomes Project 30x 0.31309; TOPMed 0.33412; gnomAD 0.34328 and 0.34630; ESP Exome Variant Server 0.34841; ExAC 0.38267.
gnomAD v4.1: 527,809 of 1,564,542 alleles (34%); highest among the groups gnomAD compares: African/African-American, 38%; 90,684 homozygotes.

Submissions (6):

Labcorp Genetics (formerly Invitae), Labcorp
Classification: Benign. Last evaluated: 2026-02-04. Review status: criteria provided, single submitter. Criteria: Invitae Variant Classification Sherloc (09022015). Collection method: clinical testing. Allele origin: germline.

Blueprint Genetics
Classification: Likely benign. Last evaluated: 2024-11-28. Review status: criteria provided, single submitter. Criteria: ACMG Guidelines, 2015. Collection method: clinical testing. Allele origin: germline.

Mayo Clinic Laboratories, Mayo Clinic
Classification: Benign. Last evaluated: 2024-09-17. Review status: criteria provided, single submitter. Criteria: ACMG Guidelines, 2015. Collection method: clinical testing. Allele origin: germline. Observed: 436 variant alleles.

Illumina Laboratory Services, Illumina
Classification: Benign for Iron-refractory iron deficiency anemia. Last evaluated: 2018-01-13. Review status: criteria provided, single submitter. Criteria: ICSL Variant Classification Criteria 13 December 2019. Collection method: clinical testing. Allele origin: germline.
Comment: This variant was observed in the ICSL laboratory as part of a predisposition screen in an ostensibly healthy population. It had not been previously curated by ICSL or reported in the Human Gene Mutation Database (HGMD: prior to June 1st, 2018), and was therefore a candidate for classification through an automated scoring system. Utilizing variant allele frequency, disease prevalence and penetrance estimates, and inheritance mode, an automated score was calculated to assess if this variant is too frequent to cause the disease. Based on the score and internal cut-off values, a variant classified as benign is not then subjected to further curation. The score for this variant resulted in a classification of benign for this disease.

Breakthrough Genomics
Classification: Benign. Review status: criteria provided, single submitter. Criteria: ACMG Guidelines, 2015. Collection method: not provided. Allele origin: germline. Inheritance: Autosomal recessive inheritance. Affected: yes.

PreventionGenetics, part of Exact Sciences
Classification: Benign. Review status: criteria provided, single submitter. Criteria: ACMG Guidelines, 2015. Collection method: clinical testing. Allele origin: germline.

NM_001374504.1(TMPRSS6):c.1056G>A (p.Ser352=)

Gene: TMPRSS6 (transmembrane serine protease 6; minus strand). Cytogenetic location: 22q12.3.
Variant type: single nucleotide variant.
Coding change: c.1056G>A on transcript NM_001374504.1 (MANE Select); coding-DNA position 1056, G replaced by A.
Protein change: p.Ser352=; no amino-acid change (serine 352 retained).
Molecular consequence: synonymous variant.
Genome position (GRCh38, 1-based): chr22:37,084,757, C>T on the plus strand (G>A on the coding strand, the complement: TMPRSS6 is on the minus strand). VCF-style: chr22-37084757-C-T. GRCh37 (hg19) VCF-style: chr22-37480797-C-T.
Other names: p.Ser361=; c.1056G>A, p.Ser352= (NM_001289000.2, NM_001289001.2, NM_153609.4).
Identifiers: ClinVar variation 262719 (VCV000262719.16), dbSNP rs2111833, ClinGen allele CA10215800.